The following is an entry in ClinVar:

NM_001371986.1(UNC80):c.8166T>C (p.Asp2722=)

Gene: UNC80 (unc-80 subunit of NALCN channel complex; plus strand). Cytogenetic location: 2q34.
Variant type: single nucleotide variant.
Coding change: c.8166T>C on transcript NM_001371986.1 (MANE Select); coding-DNA position 8166, T replaced by C.
Protein change: p.Asp2722=; no amino-acid change (aspartic acid 2722 retained).
Molecular consequence: synonymous variant.
Genome position (GRCh38, 1-based): chr2:209,970,867, T>C. VCF-style: chr2-209970867-T-C. GRCh37 (hg19) VCF-style: chr2-210835591-T-C.
Other names: c.7968T>C, p.Asp2656= (NM_032504.2); c.7953T>C, p.Asp2651= (NM_182587.4).
Identifiers: ClinVar variation 749801 (VCV000749801.10), dbSNP rs199923534, ClinGen allele CA2083538.

ClinVar aggregate classification (germline): Likely benign. Review status: criteria provided, single submitter (1 of 4 stars). 2 submissions from 2 submitters: Likely benign (1). 1 of the submissions does not count toward it. Last evaluated 2025-12-01.

Conditions:
UNC80-related disorder. Also called: UNC80-related condition.

Allele frequency attached by ClinVar (database versions not stated): ExAC 0.00005; gnomAD 0.00007; TOPMed 0.00007; gnomAD exomes 0.00009.
gnomAD v4.1: 213 of 1,551,632 alleles (0.014%); highest among the groups gnomAD compares: Admixed American, 0.024%; no homozygotes.

Submissions (2):

Labcorp Genetics (formerly Invitae), Labcorp
Classification: Likely benign. Last evaluated: 2025-12-01. Review status: criteria provided, single submitter. Criteria: Invitae Variant Classification Sherloc (09022015). Collection method: clinical testing. Allele origin: germline.

PreventionGenetics, part of Exact Sciences
Classification: Likely benign for UNC80-related condition. Last evaluated: 2024-08-05. Review status: no assertion criteria provided. Collection method: clinical testing. Allele origin: germline. Not counted in ClinVar's aggregate classification.
Comment: This variant is classified as likely benign based on ACMG/AMP sequence variant interpretation guidelines (Richards et al. 2015 PMID: 25741868, with internal and published modifications).